The following is an entry in ClinVar:

NM_001278116.2(L1CAM):c.616del (p.Asp206fs)

Gene: L1CAM (L1 cell adhesion molecule; minus strand). Cytogenetic location: Xq28.
Variant type: Deletion.
Coding change: c.616del on transcript NM_001278116.2 (MANE Select); coding-DNA position 616, one base deleted (G; older notation c.616delG).
Protein change: p.Asp206fs; shifts the reading frame from aspartic acid 206.
Molecular consequence: frameshift variant.
Genome position (GRCh38, 1-based): chrX:153,870,868, C deleted on the plus strand (G on the coding strand, the reverse complement: L1CAM is on the minus strand). VCF-style (leftmost placement, unchanged base first): chrX-153870867-TC-T. GRCh37 (hg19) VCF-style: chrX-153136322-TC-T.
Other names: c.616del, p.Asp206fs (NM_000425.5, NM_024003.3); c.601del, p.Asp201fs (NM_001143963.2); short protein forms D201fs, D206fs.
Identifiers: ClinVar variation 1359293 (VCV001359293.6), dbSNP rs2148498736, ClinGen allele CA2573159354.

ClinVar aggregate classification (germline): Pathogenic (1 of 4 stars; one submission).

Conditions:
Spastic paraplegia. Identifiers: MedGen C0037772, HP:0001258.

Submission:

Labcorp Genetics (formerly Invitae), Labcorp
Classification: Pathogenic for Spastic paraplegia. Last evaluated: 2021-06-16. Review status: criteria provided, single submitter. Criteria: Invitae Variant Classification Sherloc (09022015). Collection method: clinical testing. Allele origin: germline.
Comment: This variant has not been reported in the literature in individuals with L1CAM-related conditions. For these reasons, this variant has been classified as Pathogenic. This variant is not present in population databases (ExAC no frequency). This sequence change creates a premature translational stop signal (p.Asp206Thrfs*30) in the L1CAM gene. It is expected to result in an absent or disrupted protein product. Loss-of-function variants in L1CAM are known to be pathogenic (PMID: 19846429).

Literature cited by the submitters: PubMed 19846429.